The following is an entry in ClinVar:

NM_000089.4(COL1A2):c.1334_1337del (p.Gly445fs)

Gene: COL1A2 (collagen type I alpha 2 chain; plus strand). Cytogenetic location: 7q21.3.
Variant type: Deletion.
Coding change: c.1334_1337del on transcript NM_000089.4 (MANE Select); coding-DNA positions 1334 to 1337, 4 bases deleted (GTCT; older notation c.1334_1337delGTCT).
Protein change: p.Gly445fs; shifts the reading frame from glycine 445.
Molecular consequence: frameshift variant.
Genome position (GRCh38, 1-based): chr7:94,411,138-94,411,141, GTCT deleted. VCF-style (leftmost placement, unchanged base first): chr7-94411137-GGTCT-G. GRCh37 (hg19) VCF-style: chr7-94040449-GGTCT-G.
Other names: short protein forms G445fs.
Identifiers: ClinVar variation 4793414 (VCV004793414.1).

ClinVar aggregate classification (germline): Pathogenic (1 of 4 stars; one submission).

Conditions:
Ehlers-Danlos syndrome, classic type, 1 (EDSCL1). Also called: EHLERS-DANLOS SYNDROME, GRAVIS TYPE; EHLERS-DANLOS SYNDROME, SEVERE CLASSIC TYPE; Ehlers-Danlos syndrome, type 1; Ehlers-Danlos Syndrome, Classic Type, COL5A1-Related; EDS I. Identifiers: MedGen C0268335, MONDO:0019567, OMIM 130000.
Osteogenesis imperfecta type I (OI1). Also called: OI, TYPE I; OSTEOGENESIS IMPERFECTA TARDA; OSTEOGENESIS IMPERFECTA WITH BLUE SCLERAE; Osteogenesis imperfecta type 1; Lobstein's Disease; Lobstein disease. Identifiers: Orphanet 216796, Orphanet 666, MedGen C0023931, MONDO:0008146, OMIM 166200. Disease mechanism: loss of function.

Submission:

Labcorp Genetics (formerly Invitae), Labcorp
Classification: Pathogenic for Osteogenesis imperfecta type I; Ehlers-Danlos syndrome, classic type, 1. Last evaluated: 2025-10-18. Review status: criteria provided, single submitter. Criteria: Invitae Variant Classification Sherloc (09022015). Collection method: clinical testing. Allele origin: germline.
Comment: This sequence change creates a premature translational stop signal (p.Gly445Alafs*236) in the COL1A2 gene. It is expected to result in an absent or disrupted protein product. Loss-of-function variants in COL1A2 are known to be pathogenic (PMID: 11288717, 15077201). This variant is not present in population databases (gnomAD no frequency). This variant has not been reported in the literature in individuals affected with COL1A2-related conditions. For these reasons, this variant has been classified as Pathogenic.

Literature cited by the submitters: PubMed 11288717; PubMed 15077201.